The following is an entry in ClinVar:

NM_001134831.2(AHI1):c.1917T>C (p.Tyr639=)

Gene: AHI1 (Abelson helper integration site 1; minus strand). Cytogenetic location: 6q23.3.
Variant type: single nucleotide variant.
Coding change: c.1917T>C on transcript NM_001134831.2 (MANE Select); coding-DNA position 1917, T replaced by C.
Protein change: p.Tyr639=; no amino-acid change (tyrosine 639 retained).
Molecular consequence: synonymous variant.
Genome position (GRCh38, 1-based): chr6:135,438,494, A>G on the plus strand (T>C on the coding strand, the complement: AHI1 is on the minus strand). VCF-style: chr6-135438494-A-G. GRCh37 (hg19) VCF-style: chr6-135759632-A-G.
Other names: c.1917T>C, p.Tyr639= (NM_001134830.2, NM_001134832.2, NM_001350503.2 and 2 more transcripts).
Identifiers: ClinVar variation 1100279 (VCV001100279.13), dbSNP rs764412921, ClinGen allele CA4012475.

ClinVar aggregate classification (germline): Likely benign. Review status: criteria provided, multiple submitters, no conflicts (2 of 4 stars). 4 submissions from 4 submitters: Likely benign (3). 1 of the submissions does not count toward it. Last evaluated 2024-02-24.

Conditions:
AHI1-related disorder. Also called: AHI1-related condition.
Joubert syndrome. Also called: JOUBERT-BOLTSHAUSER SYNDROME; Familial aplasia of the vermis. Identifiers: Orphanet 475, MedGen C5979921, MONDO:0018772.
Joubert syndrome 3 (JBTS3). Also called: AHI1-related Ciliopathy. Identifiers: Orphanet 220493, MedGen C1837713, MONDO:0012078, OMIM 608629.

Allele frequency attached by ClinVar (database versions not stated): TOPMed 0.00002; gnomAD 0.00003; gnomAD exomes 0.00003 and 0.00004.
gnomAD v4.1: 50 of 1,538,734 alleles (0.0032%); highest among the groups gnomAD compares: Non-Finnish European, 0.0041%; no homozygotes.

Submissions (4):

Labcorp Genetics (formerly Invitae), Labcorp
Classification: Likely benign for Joubert syndrome. Last evaluated: 2024-02-24. Review status: criteria provided, single submitter. Criteria: Invitae Variant Classification Sherloc (09022015). Collection method: clinical testing. Allele origin: germline.

Blueprint Genetics
Classification: Likely benign. Last evaluated: 2024-01-18. Review status: criteria provided, single submitter. Criteria: ACMG Guidelines, 2015. Collection method: clinical testing. Allele origin: germline.

Fulgent Genetics
Classification: Likely benign for Joubert syndrome 3. Last evaluated: 2022-03-19. Review status: criteria provided, single submitter. Criteria: ACMG Guidelines, 2015. Collection method: clinical testing. Allele origin: unknown.

PreventionGenetics, part of Exact Sciences
Classification: Likely benign for AHI1-related condition. Last evaluated: 2020-01-09. Review status: no assertion criteria provided. Collection method: clinical testing. Allele origin: germline. Not counted in ClinVar's aggregate classification.
Comment: This variant is classified as likely benign based on ACMG/AMP sequence variant interpretation guidelines (Richards et al. 2015 PMID: 25741868, with internal and published modifications).